The following is an entry in ClinVar:

ClinVar aggregate classification (germline): Uncertain significance (1 of 4 stars; one submission).

Conditions:
Primary ciliary dyskinesia. Also called: Ciliary dyskinesia. Identifiers: Orphanet 244, MedGen C0008780, MONDO:0016575, HP:0012265.

Allele frequency attached by ClinVar (database versions not stated): TOPMed below 0.00001.

Submission:

Labcorp Genetics (formerly Invitae), Labcorp
Classification: Uncertain significance for Primary ciliary dyskinesia. Last evaluated: 2022-08-21. Review status: criteria provided, single submitter. Criteria: Invitae Variant Classification Sherloc (09022015). Collection method: clinical testing. Allele origin: germline.
Comment: This sequence change replaces isoleucine, which is neutral and non-polar, with threonine, which is neutral and polar, at codon 255 of the RSPH4A protein (p.Ile255Thr). In summary, the available evidence is currently insufficient to determine the role of this variant in disease. Therefore, it has been classified as a Variant of Uncertain Significance. Algorithms developed to predict the effect of missense changes on protein structure and function are either unavailable or do not agree on the potential impact of this missense change (SIFT: "Deleterious"; PolyPhen-2: "Probably Damaging"; Align-GVGD: "Class C0"). This variant is not present in population databases (gnomAD no frequency). This variant has not been reported in the literature in individuals affected with RSPH4A-related conditions.

NM_001010892.3(RSPH4A):c.764T>C (p.Ile255Thr)

Gene: RSPH4A (radial spoke head component 4A; plus strand). Cytogenetic location: 6q22.1.
Variant type: single nucleotide variant.
Coding change: c.764T>C on transcript NM_001010892.3 (MANE Select); coding-DNA position 764, T replaced by C.
Protein change: p.Ile255Thr; replaces isoleucine 255 with threonine.
Molecular consequence: missense variant.
Genome position (GRCh38, 1-based): chr6:116,622,845, T>C. VCF-style: chr6-116622845-T-C. GRCh37 (hg19) VCF-style: chr6-116944008-T-C.
Other names: c.764T>C, p.Ile255Thr (NM_001161664.2); short protein forms I255T.
Identifiers: ClinVar variation 2101309 (VCV002101309.4), dbSNP rs1775632249, ClinGen allele CA365398777.